The following is an entry in ClinVar:

ClinVar aggregate classification (germline): Uncertain significance. Review status: criteria provided, multiple submitters, no conflicts (2 of 4 stars). 2 submissions from 2 submitters: Uncertain significance (2). Last evaluated 2025-06-09.

Conditions:
Hereditary cancer-predisposing syndrome. Also called: Neoplastic Syndromes, Hereditary; Hereditary Cancer Syndrome; Hereditary neoplastic syndrome; Tumor predisposition. Identifiers: Orphanet 140162, MedGen C0027672, MeSH D009386, MONDO:0015356.
Parathyroid carcinoma (PRTC). Also called: CDC73-Related Parathyroid Carcinoma; Parathyroid gland carcinoma. Identifiers: Orphanet 143, MedGen C0687150, MONDO:0012004, OMIM 608266, HP:0006780.

Allele frequency attached by ClinVar (database versions not stated): gnomAD exomes 0.00001.
gnomAD v4.1: 4 of 1,613,456 alleles (0.00025%); highest among the groups gnomAD compares: South Asian, 0.0011%; no homozygotes.

Submissions (2):

Labcorp Genetics (formerly Invitae), Labcorp
Classification: Uncertain significance for Parathyroid carcinoma. Last evaluated: 2025-06-09. Review status: criteria provided, single submitter. Criteria: Invitae Variant Classification Sherloc (09022015). Collection method: clinical testing. Allele origin: germline.
Comment: This sequence change replaces isoleucine, which is neutral and non-polar, with valine, which is neutral and non-polar, at codon 108 of the CDC73 protein (p.Ile108Val). This variant is present in population databases (no rsID available, gnomAD 0.002%). This variant has not been reported in the literature in individuals affected with CDC73-related conditions. ClinVar contains an entry for this variant (Variation ID: 462758). Invitae Evidence Modeling of protein sequence and biophysical properties (such as structural, functional, and spatial information, amino acid conservation, physicochemical variation, residue mobility, and thermodynamic stability) indicates that this missense variant is not expected to disrupt CDC73 protein function with a negative predictive value of 80%. In summary, the available evidence is currently insufficient to determine the role of this variant in disease. Therefore, it has been classified as a Variant of Uncertain Significance.

Ambry Genetics
Classification: Uncertain significance for Hereditary cancer-predisposing syndrome. Last evaluated: 2024-11-12. Review status: criteria provided, single submitter. Criteria: Ambry Variant Classification Scheme 2023. Collection method: clinical testing. Allele origin: germline.
Comment: The p.I108V variant (also known as c.322A>G), located in coding exon 4 of the CDC73 gene, results from an A to G substitution at nucleotide position 322. The isoleucine at codon 108 is replaced by valine, an amino acid with highly similar properties. This amino acid position is conserved. In addition, the in silico prediction for this alteration is inconclusive. Since supporting evidence is limited at this time, the clinical significance of this alteration remains unclear.

NM_024529.5(CDC73):c.322A>G (p.Ile108Val)

Gene: CDC73 (cell division cycle 73; plus strand). Cytogenetic location: 1q31.2.
Variant type: single nucleotide variant.
Coding change: c.322A>G on transcript NM_024529.5 (MANE Select); coding-DNA position 322, A replaced by G.
Protein change: p.Ile108Val; replaces isoleucine 108 with valine.
Molecular consequence: missense variant.
Genome position (GRCh38, 1-based): chr1:193,135,405, A>G. VCF-style: chr1-193135405-A-G. GRCh37 (hg19) VCF-style: chr1-193104535-A-G.
Other names: short protein forms I108V.
Identifiers: ClinVar variation 462758 (VCV000462758.12), dbSNP rs1475793228, ClinGen allele CA343960330.